The following is an entry in ClinVar:

ClinVar aggregate classification (germline): Pathogenic/Likely pathogenic. Review status: criteria provided, multiple submitters, no conflicts (2 of 4 stars). 6 submissions from 6 submitters: Pathogenic (5); Likely pathogenic (1). Last evaluated 2026-01-29.

Conditions:
ATP7B-related disorder. Also called: ATP7B-related condition.
Wilson disease (WND). Also called: Wilson's disease. Identifiers: Orphanet 905, MedGen C0019202, MONDO:0010200, OMIM 277900. Disease mechanism: loss of function.

Submissions (6):

3billion
Classification: Pathogenic for Wilson disease. Last evaluated: 2026-01-29. Review status: criteria provided, single submitter. Criteria: ACMG Guidelines, 2015. Collection method: clinical testing. Allele origin: germline. Affected: yes.
Comment: The variant is observed at an extremely low frequency in the gnomAD v4.1.0 dataset (total allele frequency: <0.001%). Predicted Consequence/Location: Frameshift: predicted to result in a loss or disruption of normal protein function through protein truncation. The predicted truncated protein may be shortened by less than 10%. Functional studies provide moderate evidence of the variant having a damaging effect on the gene or gene product (PMID: 16472602). The variant has been reported at least twice as pathogenic with clinical assertions and evidence for the classification (ClinVar ID: VCV000280040 /PMID: 11054498). Therefore, this variant is classified as Pathogenic according to the recommendation of ACMG/AMP guideline.

Blueprint Genetics
Classification: Pathogenic for ATP7B-related disorders. Last evaluated: 2024-02-20. Review status: criteria provided, single submitter. Criteria: ACMG Guidelines, 2015. Collection method: clinical testing. Allele origin: germline. Affected: yes. Observed: 3 variant alleles.

Revvity Omics, Revvity
Classification: Likely pathogenic for Wilson disease. Last evaluated: 2023-09-14. Review status: criteria provided, single submitter. Criteria: ACMG Guidelines, 2015. Collection method: clinical testing. Allele origin: germline.

Genomic Medicine Center of Excellence, King Faisal Specialist Hospital and Research Centre
Classification: Pathogenic for Wilson disease. Last evaluated: 2023-05-08. Review status: criteria provided, single submitter. Criteria: ACMG Guidelines, 2015. Collection method: research. Allele origin: germline. Affected: yes.

Genome-Nilou Lab
Classification: Pathogenic for Wilson disease. Last evaluated: 2021-08-10. Review status: criteria provided, single submitter. Criteria: ACMG Guidelines, 2015. Collection method: clinical testing. Allele origin: germline. Affected: no.

GeneDx
Classification: Pathogenic. Last evaluated: 2016-08-01. Review status: criteria provided, single submitter. Criteria: GeneDx Variant Classification (06012015). Collection method: clinical testing. Allele origin: germline. Affected: yes.
Comment: The c.4195delC variant in the ATP7B gene has been reported previously in association with Wilson disease and is a common pathogenic variant in the Saudi population (Majumdar et al. 2000; Al Jumah et al. 2004). The deletion causes a frameshift starting with codon Glutamine 1399, changes this amino acid to a Arginine residue and creates a premature Stop codon at position 6 of the new reading frame, denoted p.Gln1399ArgfsX6. Functional analysis of c.4195delC found that this variant results in mislocalization of the ATP7B protein (Hsi et al., 2004; Cater et al., 2006). Therefore, we interpret c.4195delC to be a pathogenic variant.

Literature cited by the submitters: PubMed 11054498 (cited by 3billion); PubMed 16472602 (cited by 3billion).

NM_000053.4(ATP7B):c.4195del (p.Gln1399fs)

Gene: ATP7B (ATPase copper transporting beta; minus strand). Cytogenetic location: 13q14.3.
Variant type: Deletion.
Coding change: c.4195del on transcript NM_000053.4 (MANE Select); coding-DNA position 4195, one base deleted (C; older notation c.4195delC).
Protein change: p.Gln1399fs; shifts the reading frame from glutamine 1399.
Molecular consequence: frameshift variant.
Genome position (GRCh38, 1-based): chr13:51,934,959, G deleted on the plus strand (C on the coding strand, the reverse complement: ATP7B is on the minus strand); the first of 3 consecutive G bases (chr13:51,934,959-51,934,961); deleting any one gives the same sequence. VCF-style (leftmost placement, unchanged base first): chr13-51934958-TG-T. GRCh37 (hg19) VCF-style: chr13-52509094-TG-T.
Other names: c.3574delC (NM_001005918.3); c.3574del, p.Gln1192fs (NM_001005918.3); c.3862del, p.Gln1288fs (NM_001243182.2); c.3961del, p.Gln1321fs (NM_001330578.2); c.3943del, p.Gln1315fs (NM_001330579.2); short protein forms Q1192fs, Q1288fs, Q1321fs, Q1399fs, Q1315fs.
Identifiers: ClinVar variation 280040 (VCV000280040.11), dbSNP rs886041336, ClinGen allele CA10603190.
Genomic context (GRCh38, chr13:51,934,958, plus strand): 5'-CATGGTGTGGCCCTGGGGGAGTCCCGCCACCTGTCATCCATGCCTATGTGCACACTGACC[TG>T]GGATGCCGTCAGGGGCTTCATGTGGCCATGCGCCTGTGCCTCATACCTCTCCAGGTCAGG-3'